The following is an entry in ClinVar:

ClinVar aggregate classification (germline): Conflicting classifications of pathogenicity. Review status: criteria provided, conflicting classifications (1 of 4 stars). 3 submissions from 3 submitters: Pathogenic (1); Uncertain significance (1). 1 of the submissions does not count toward it. Last evaluated 2024-03-29.

Conditions:
DLL3-related disorder. Also called: DLL3-related condition.
Spondylocostal dysostosis 1, autosomal recessive (SCDO1). Also called: DLL3-Related Spondylocostal Dysostosis, Autosomal Recessive. Identifiers: Orphanet 2311, MedGen CN032975, MONDO:0020692, OMIM 277300.

Allele frequency attached by ClinVar (database versions not stated): gnomAD exomes below 0.00001.
gnomAD v4.1: 5 of 1,543,446 alleles (0.00032%); highest among the groups gnomAD compares: South Asian, 0.0047%; no homozygotes.

Submissions (3):

GeneDx
Classification: Uncertain significance. Last evaluated: 2024-03-29. Review status: criteria provided, single submitter. Criteria: GeneDx Variant Classification Process June 2021. Collection method: clinical testing. Allele origin: germline. Affected: yes.
Comment: Not observed at significant frequency in large population cohorts (gnomAD); In silico analysis supports that this missense variant has a deleterious effect on protein structure/function; This variant is associated with the following publications: (PMID: 12791036, 12746394, 14708096, 17041936, 10742114, 36506336, 11377959)

Blueprint Genetics
Classification: Pathogenic for DLL3-related disorders. Last evaluated: 2021-01-14. Review status: criteria provided, single submitter. Criteria: ACMG Guidelines, 2015. Collection method: clinical testing. Allele origin: germline. Affected: yes. Observed: 1 variant allele.

OMIM
Classification: Pathogenic for SPONDYLOCOSTAL DYSOSTOSIS 1, AUTOSOMAL RECESSIVE. Last evaluated: 2000-04-01. Review status: no assertion criteria provided. Collection method: literature only. Allele origin: germline. Not counted in ClinVar's aggregate classification.

Literature cited by the submitters: PubMed 10742114 (cited by OMIM).

NM_203486.3(DLL3):c.1154G>A (p.Gly385Asp)

Gene: DLL3 (delta like canonical Notch ligand 3; plus strand). Cytogenetic location: 19q13.2.
Variant type: single nucleotide variant.
Coding change: c.1154G>A on transcript NM_203486.3 (MANE Select); coding-DNA position 1154, G replaced by A.
Protein change: p.Gly385Asp; replaces glycine 385 with aspartic acid.
Molecular consequence: missense variant.
Genome position (GRCh38, 1-based): chr19:39,507,099, G>A. VCF-style: chr19-39507099-G-A. GRCh37 (hg19) VCF-style: chr19-39997739-G-A.
Other names: c.1154G>A (NM_016941.3); c.1154G>A, p.Gly385Asp (NM_016941.4); short protein forms G385D.
Identifiers: ClinVar variation 6830 (VCV000006830.4), dbSNP rs104894674, ClinGen allele CA253972.